The following is an entry in ClinVar:

NM_001130987.2(DYSF):c.4643_4645delinsA (p.Leu1548fs)

Gene: DYSF (dysferlin; plus strand). Cytogenetic location: 2p13.2.
Variant type: Indel.
Coding change: c.4643_4645delinsA on transcript NM_001130987.2 (MANE Select); coding-DNA positions 4643 to 4645, TGG replaced by A.
Protein change: p.Leu1548fs; shifts the reading frame from leucine 1548.
Molecular consequence: frameshift variant.
Genome position (GRCh38, 1-based): chr2:71,656,178-71,656,180, TGG replaced by A. VCF-style: chr2-71656178-TGG-A. GRCh37 (hg19) VCF-style: chr2-71883308-TGG-A.
Other names: c.4526_4528delinsA, p.Leu1509fs (NM_003494.4); c.4529_4531delinsA, p.Leu1510fs (NM_001130455.2); c.4484_4486delinsA, p.Leu1495fs (NM_001130976.2); c.4547_4549delinsA, p.Leu1516fs (NM_001130977.2); c.4589_4591delinsA, p.Leu1530fs (NM_001130978.2); c.4619_4621delinsA, p.Leu1540fs (NM_001130979.2); c.4577_4579delinsA, p.Leu1526fs (NM_001130980.2); c.4640_4642delinsA, p.Leu1547fs (NM_001130981.2); and 5 more; short protein forms L1495fs, L1496fs, L1509fs, L1510fs, L1516fs, L1517fs, L1526fs, L1527fs.
Identifiers: ClinVar variation 1726634 (VCV001726634.3), dbSNP rs2546474606, ClinGen allele CA2580067809.

ClinVar aggregate classification (germline): Pathogenic (1 of 4 stars; one submission).

Conditions:
Autosomal recessive limb-girdle muscular dystrophy. Identifiers: Orphanet 102015, MedGen C2931907, MONDO:0015152.

Submission:

Myriad Genetics, Inc.
Classification: Pathogenic for Autosomal recessive limb-girdle muscular dystrophy. Last evaluated: 2026-01-29. Review status: criteria provided, single submitter. Criteria: Myriad Autosomal Dominant, Autosomal Recessive and X-Linked Classification Criteria (2023). Collection method: clinical testing. Allele origin: unknown.
Comment: NM_003494.3(DYSF):c.4526_4528delTGGinsA(L1509Qfs*7) is a frameshift variant classified as pathogenic in the context of dysferlinopathy. L1509Qfs*7 has not been observed in cases with relevant disease. Relevant functional assessments of this variant are not available in the literature. L1509Qfs*7 has not been observed in referenced population frequency databases. In summary, NM_003494.3(DYSF):c.4526_4528delTGGinsA(L1509Qfs*7) is a frameshift variant in a gene where loss of function is a known mechanism of disease and is predicted to disrupt protein function. Please note: this variant was assessed in the context of healthy population screening.